The following is an entry in ClinVar:

ClinVar aggregate classification (germline): Uncertain significance. Review status: criteria provided, multiple submitters, no conflicts (2 of 4 stars). 2 submissions from 2 submitters: Uncertain significance (2). Last evaluated 2026-02-03.

Conditions:
Pheochromocytoma/paraganglioma syndrome 5. Also called: Paragangliomas 5; SDHA-Related Hereditary Paraganglioma-Pheochromocytoma Syndrome. Identifiers: Orphanet 29072, MedGen C3279992, MONDO:0013602, OMIM 614165.
Mitochondrial complex II deficiency, nuclear type 1. Also called: SUCCINATE CoQ REDUCTASE DEFICIENCY. Identifiers: Orphanet 3208, MedGen C5700310, MONDO:0100294, OMIM 252011.
Hereditary cancer-predisposing syndrome. Also called: Tumor predisposition; Neoplastic Syndromes, Hereditary; Hereditary Cancer Syndrome; Hereditary neoplastic syndrome. Identifiers: Orphanet 140162, MedGen C0027672, MeSH D009386, MONDO:0015356.

Submissions (2):

Ambry Genetics
Classification: Uncertain significance for Hereditary cancer-predisposing syndrome. Last evaluated: 2026-02-03. Review status: criteria provided, single submitter. Criteria: Ambry Variant Classification Scheme 2023. Collection method: clinical testing. Allele origin: germline.
Comment: The p.G504R variant (also known as c.1510G>A), located in coding exon 11 of the SDHA gene, results from a G to A substitution at nucleotide position 1510. The glycine at codon 504 is replaced by arginine, an amino acid with dissimilar properties. This amino acid position is conserved. In addition, this alteration is predicted to be deleterious by in silico analysis. Based on the available evidence, the clinical significance of this variant remains unclear.

Labcorp Genetics (formerly Invitae), Labcorp
Classification: Uncertain significance for Pheochromocytoma/paraganglioma syndrome 5; Mitochondrial complex II deficiency, nuclear type 1. Last evaluated: 2024-04-30. Review status: criteria provided, single submitter. Criteria: Invitae Variant Classification Sherloc (09022015). Collection method: clinical testing. Allele origin: germline.
Comment: This sequence change replaces glycine, which is neutral and non-polar, with arginine, which is basic and polar, at codon 504 of the SDHA protein (p.Gly504Arg). This variant is not present in population databases (gnomAD no frequency). This variant has not been reported in the literature in individuals affected with SDHA-related conditions. ClinVar contains an entry for this variant (Variation ID: 644075). Advanced modeling of protein sequence and biophysical properties (such as structural, functional, and spatial information, amino acid conservation, physicochemical variation, residue mobility, and thermodynamic stability) has been performed at Invitae for this missense variant, however the output from this modeling did not meet the statistical confidence thresholds required to predict the impact of this variant on SDHA protein function. In summary, the available evidence is currently insufficient to determine the role of this variant in disease. Therefore, it has been classified as a Variant of Uncertain Significance.

NM_004168.4(SDHA):c.1510G>A (p.Gly504Arg)

Gene: SDHA (succinate dehydrogenase complex flavoprotein subunit A; plus strand). Cytogenetic location: 5p15.33.
Variant type: single nucleotide variant.
Coding change: c.1510G>A on transcript NM_004168.4 (MANE Select); coding-DNA position 1510, G replaced by A.
Protein change: p.Gly504Arg; replaces glycine 504 with arginine.
Molecular consequence: missense variant.
Genome position (GRCh38, 1-based): chr5:240,435, G>A. VCF-style: chr5-240435-G-A. GRCh37 (hg19) VCF-style: chr5-240550-G-A.
Other names: c.1366G>A, p.Gly456Arg (NM_001294332.2); c.1510G>A, p.Gly504Arg (NM_001330758.2); c.1510G>A (NM_004168.2); short protein forms G456R, G504R.
Identifiers: ClinVar variation 644075 (VCV000644075.12), dbSNP rs1579417710, ClinGen allele CA359014326.
Genomic context (GRCh38, chr5:240,435, plus strand): 5'-ATTAAACCAAACGCTGGGGAAGAATCTGTCATGAATCTTGACAAATTGAGATTTGCTGAT[G>A]GAAGCATAAGAACATCGGAACTGCGACTCAGCATGCAGAAGGTAAGAGCCTGGACTCGCT-3'
Protein context (NP_004159.2, residues 494-514): MNLDKLRFAD[Gly504Arg]SIRTSELRLS